The following is an entry in ClinVar:

ClinVar aggregate classification (germline): Uncertain significance (1 of 4 stars; one submission).

Conditions:
Long QT syndrome (LQTS). Identifiers: MedGen C0023976, MeSH D008133, MONDO:0002442. Disease mechanism: loss of function. Inheritance: Various modes of inheritance.

Submission:

Labcorp Genetics (formerly Invitae), Labcorp
Classification: Uncertain significance for Long QT syndrome. Last evaluated: 2025-04-01. Review status: criteria provided, single submitter. Criteria: Invitae Variant Classification Sherloc (09022015). Collection method: clinical testing. Allele origin: germline.
Comment: This sequence change replaces phenylalanine, which is neutral and non-polar, with serine, which is neutral and polar, at codon 125 of the KCNH2 protein (p.Phe125Ser). This variant is not present in population databases (gnomAD no frequency). This variant has not been reported in the literature in individuals affected with KCNH2-related conditions. An algorithm developed to predict the effect of missense changes on protein structure and function (PolyPhen-2) suggests that this variant is likely to be disruptive. In summary, the available evidence is currently insufficient to determine the role of this variant in disease. Therefore, it has been classified as a Variant of Uncertain Significance.

NM_000238.4(KCNH2):c.374T>C (p.Phe125Ser)

Gene: KCNH2 (potassium voltage-gated channel subfamily H member 2; minus strand). Cytogenetic location: 7q36.1.
Variant type: single nucleotide variant.
Coding change: c.374T>C on transcript NM_000238.4 (MANE Select); coding-DNA position 374, T replaced by C.
Protein change: p.Phe125Ser; replaces phenylalanine 125 with serine.
Molecular consequence: missense variant. On other transcripts: non-coding transcript variant (1).
Genome position (GRCh38, 1-based): chr7:150,959,670, A>G on the plus strand (T>C on the coding strand, the complement: KCNH2 is on the minus strand). VCF-style: chr7-150959670-A-G. GRCh37 (hg19) VCF-style: chr7-150656758-A-G.
Other names: c.86T>C, p.Phe29Ser (NM_001406753.1, NM_001406756.1); c.197T>C, p.Phe66Ser (NM_001406755.1); c.74T>C, p.Phe25Ser (NM_001406757.1); c.374T>C, p.Phe125Ser (NM_172056.3); short protein forms F25S, F66S, F29S, F125S.
Identifiers: ClinVar variation 4716498 (VCV004716498.1).